The following is an entry in ClinVar:

ClinVar aggregate classification (germline): Uncertain significance (1 of 4 stars; one submission).

Conditions:
Acute myeloid leukemia (AML). Also called: Acute myeloid leukemia, adult; AML adult; Acute non-lymphocytic leukemia; Acute granulocytic leukemia; Leukemia, acute myeloid, somatic; Leukemia, acute myelogenous, somatic. Identifiers: Orphanet 519, MedGen C0023467, MeSH D015470, MONDO:0018874, OMIM 601626, HP:0004808. Disease mechanism: Constitutively activated FLT3.

Submission:

Labcorp Genetics (formerly Invitae), Labcorp
Classification: Uncertain significance for Acute myeloid leukemia. Last evaluated: 2024-05-07. Review status: criteria provided, single submitter. Criteria: Invitae Variant Classification Sherloc (09022015). Collection method: clinical testing. Allele origin: germline.
Comment: This variant, c.276_277delinsTT, is a complex sequence change that results in the deletion of 2 and insertion of 2 amino acid(s) in the CEBPA protein (p.Lys92_Ala93delinsAsnSer). Information on the frequency of this variant in the gnomAD database is not available, as this variant may be reported differently in the database. This variant has not been reported in the literature in individuals affected with CEBPA-related conditions. Experimental studies and prediction algorithms are not available or were not evaluated, and the functional significance of this variant is currently unknown. In summary, the available evidence is currently insufficient to determine the role of this variant in disease. Therefore, it has been classified as a Variant of Uncertain Significance.

NM_004364.5(CEBPA):c.276_277delinsTT (p.Lys92_Ala93delinsAsnSer)

Gene: CEBPA (CCAAT enhancer binding protein alpha; minus strand). Cytogenetic location: 19q13.11.
Variant type: Indel.
Coding change: c.276_277delinsTT on transcript NM_004364.5 (MANE Select); coding-DNA positions 276 to 277, GG replaced by TT.
Protein change: p.Lys92_Ala93delinsAsnSer.
Molecular consequence: missense variant. On other transcripts: 5 prime UTR variant (1).
Genome position (GRCh38, 1-based): chr19:33,302,138-33,302,139, CC replaced by AA on the plus strand (GG replaced by TT on the coding strand, the reverse complement: CEBPA is on the minus strand). VCF-style: chr19-33302138-CC-AA. GRCh37 (hg19) VCF-style: chr19-33793044-CC-AA.
Other names: c.-82_-81delinsTT (NM_001285829.2); c.381_382delinsTT, p.Lys127_Ala128delinsAsnSer (NM_001287424.2); c.234_235delinsTT, p.Lys78_Ala79delinsAsnSer (NM_001287435.2).
Identifiers: ClinVar variation 2737223 (VCV002737223.3), dbSNP rs2513332374, ClinGen allele CA2697556436.
Genomic context (GRCh38, chr19:33,302,138, plus strand): 5'-CGGGCGCGCCCGGGTAGTCAAAGTCGCCGCCGCCGCCGCCGCCCGTGGGGCCCACGGCCG[CC>AA]TTGGCCTTCTCCTGCTGCCGGCTGTGCTGGAACAGGTCGGCCAGGAACTCGTCGTTGAAG-3'